The following is an entry in ClinVar:

NM_016156.6(MTMR2):c.*1089C>G

Gene: MTMR2 (myotubularin related protein 2; minus strand). Cytogenetic location: 11q21.
Variant type: single nucleotide variant.
Coding change: c.*1089C>G on transcript NM_016156.6 (MANE Select); 1089 bases downstream of the stop codon, C replaced by G.
Molecular consequence: 3 prime UTR variant.
Genome position (GRCh38, 1-based): chr11:95,834,201, G>C on the plus strand (C>G on the coding strand, the complement: MTMR2 is on the minus strand). VCF-style: chr11-95834201-G-C. GRCh37 (hg19) VCF-style: chr11-95567365-G-C.
Other names: c.*1089C>G (NM_001243571.2, NM_201278.3, NM_201281.3).
Identifiers: ClinVar variation 306520 (VCV000306520.5), dbSNP rs147982779, ClinGen allele CA10631756.

ClinVar aggregate classification (germline): Likely benign (1 of 4 stars; one submission).

Conditions:
Charcot-Marie-Tooth disease type 4B1. Also called: CHARCOT-MARIE-TOOTH DISEASE, AUTOSOMAL RECESSIVE, WITH FOCALLY FOLDED MYELIN SHEATHS, AUTOSOMAL RECESSIVE, TYPE 4B1; CHARCOT-MARIE-TOOTH DISEASE, TYPE 4B; Charcot-Marie-Tooth Neuropathy Type 4B1; CHARCOT-MARIE-TOOTH DISEASE, DEMYELINATING, TYPE 4B1. Identifiers: Orphanet 99955, MedGen C1832399, MONDO:0011066, OMIM 601382.

Allele frequency attached by ClinVar (database versions not stated): gnomAD 0.00031 and 0.00034; TOPMed 0.00042; 1000 Genomes Project 30x 0.00094; 1000 Genomes Project 0.00100.
gnomAD v4.1: 52 of 152,596 alleles (0.034%); highest among the groups gnomAD compares: Admixed American, 0.15%; no homozygotes.

Submission:

Illumina Laboratory Services, Illumina
Classification: Likely benign for Charcot-Marie-Tooth disease type 4B1. Last evaluated: 2018-01-12. Review status: criteria provided, single submitter. Criteria: ICSL Variant Classification Criteria 13 December 2019. Collection method: clinical testing. Allele origin: germline.
Comment: This variant was observed in the ICSL laboratory as part of a predisposition screen in an ostensibly healthy population. It had not been previously curated by ICSL or reported in the Human Gene Mutation Database (HGMD: prior to June 1st, 2018), and was therefore a candidate for classification through an automated scoring system. Utilizing variant allele frequency, disease prevalence and penetrance estimates, and inheritance mode, an automated score was calculated to assess if this variant is too frequent to cause the disease. Based on the score and internal cut-off values, a variant classified as likely benign is not then subjected to further curation. The score for this variant resulted in a classification of likely benign for this disease.